The following is an entry in ClinVar:

ClinVar aggregate classification (germline): Uncertain significance (1 of 4 stars; one submission).

Conditions:
Muscular dystrophy-dystroglycanopathy (congenital with brain and eye anomalies), type A14. Also called: Congenital Muscular Dystrophy-Dystroglycanopathy with Brain and Eye Anomalies Type A 14; Congenital muscular dystrophy-dystroglycanopathy with brain and eye anomalies, type A14; Muscular dystrophy-dystroglycanopathy (congenital with brain and eye anomalies), type a, 14; WALKER-WARBURG SYNDROME OR MUSCLE-EYE-BRAIN DISEASE, GMPPB-RELATED. Identifiers: Orphanet 588, MedGen C3809216, MONDO:0014140, OMIM 615350.
Muscular dystrophy-dystroglycanopathy (congenital with impaired intellectual development), type B, 14. Also called: Congenital muscular dystrophy-dystroglycanopathy with mental retardation, type B14; MUSCULAR DYSTROPHY, CONGENITAL, GMPPB-RELATED; Muscular dystrophy-dystroglycanopathy (congenital with intellectual disability), type B14. Identifiers: MedGen C3809221, MONDO:0014141, OMIM 615351.
Autosomal recessive limb-girdle muscular dystrophy type 2T. Also called: Limb-girdle muscular dystrophy-dystroglycanopathy, type C14; MUSCULAR DYSTROPHY-DYSTROGLYCANOPATHY, LIMB-GIRDLE, GMPPB-RELATED; MUSCULAR DYSTROPHY, LIMB-GIRDLE, TYPE 2T; Muscular dystrophy-dystroglycanopathy (limb-girdle), type c, 14. Identifiers: Orphanet 363623, MedGen C4518000, MONDO:0014142, OMIM 615352.

Allele frequency attached by ClinVar (database versions not stated): TOPMed 0.00001.

Submission:

Labcorp Genetics (formerly Invitae), Labcorp
Classification: Uncertain significance for Autosomal recessive limb-girdle muscular dystrophy type 2T; Muscular dystrophy-dystroglycanopathy (congenital with brain and eye anomalies), type A14; Muscular dystrophy-dystroglycanopathy (congenital with impaired intellectual development), type B, 14. Last evaluated: 2023-12-06. Review status: criteria provided, single submitter. Criteria: Invitae Variant Classification Sherloc (09022015). Collection method: clinical testing. Allele origin: germline.
Comment: This sequence change replaces asparagine, which is neutral and polar, with aspartic acid, which is acidic and polar, at codon 253 of the GMPPB protein (p.Asn253Asp). This variant is not present in population databases (gnomAD no frequency). This variant has not been reported in the literature in individuals affected with GMPPB-related conditions. ClinVar contains an entry for this variant (Variation ID: 647250). Advanced modeling of protein sequence and biophysical properties (such as structural, functional, and spatial information, amino acid conservation, physicochemical variation, residue mobility, and thermodynamic stability) performed at Invitae indicates that this missense variant is not expected to disrupt GMPPB protein function with a negative predictive value of 80%. In summary, the available evidence is currently insufficient to determine the role of this variant in disease. Therefore, it has been classified as a Variant of Uncertain Significance.

NM_021971.4(GMPPB):c.757A>G (p.Asn253Asp)

Gene: GMPPB (GDP-mannose pyrophosphorylase B; minus strand). Cytogenetic location: 3p21.31.
Variant type: single nucleotide variant.
Coding change: c.757A>G on transcript NM_021971.4 (MANE Select); coding-DNA position 757, A replaced by G.
Protein change: p.Asn253Asp; replaces asparagine 253 with aspartic acid.
Molecular consequence: missense variant.
Genome position (GRCh38, 1-based): chr3:49,722,242, T>C on the plus strand (A>G on the coding strand, the complement: GMPPB is on the minus strand). VCF-style: chr3-49722242-T-C. GRCh37 (hg19) VCF-style: chr3-49759675-T-C.
Other names: c.757A>G, p.Asn253Asp (NM_013334.4); short protein forms N253D.
Identifiers: ClinVar variation 647250 (VCV000647250.6), dbSNP rs1015055492, ClinGen allele CA74541553.